The following is an entry in ClinVar:

Single allele

Gene: SPAST (spastin; plus strand). Cytogenetic location: 2p22.3.
Variant type: Deletion.
Identifiers: ClinVar variation 1256424 (VCV001256424.1).

ClinVar aggregate classification (germline): Pathogenic (1 of 4 stars; one submission).

Submission:

Athena Diagnostics
Classification: Pathogenic. Last evaluated: 2021-02-09. Review status: criteria provided, single submitter. Criteria: Athena Diagnostics criteria. Collection method: clinical testing. Allele origin: unknown.
Comment: This variant is expected to result in the loss of a functional protein. Similar variants have not been reported in large, multi-ethnic general populations. A similar deletion of exon 10 has been identified in at least one individual with clinical features associated with this gene.

Literature cited by the submitters: PubMed 17035675; PubMed 26208798.